The following is an entry in ClinVar:

ClinVar aggregate classification (germline): Conflicting classifications of pathogenicity. Review status: criteria provided, conflicting classifications (1 of 4 stars). 6 submissions from 6 submitters: Uncertain significance (2); Likely benign (2). 2 of the submissions do not count toward it. Last evaluated 2026-06-03.

Conditions:
TTN-related disorder. Also called: TTN-related condition; TTN-related disease; TTN-related disorders.
Cardiovascular phenotype. Identifiers: MedGen CN230736.

Allele frequency attached by ClinVar (database versions not stated): gnomAD exomes 0.00002 and 0.00003; ExAC 0.00003; gnomAD 0.00003; TOPMed 0.00016; ESP Exome Variant Server 0.00025.
gnomAD v4.1: 41 of 1,613,174 alleles (0.0025%); highest among the groups gnomAD compares: African/African-American, 0.055%; no homozygotes.

Submissions (6):

PreventionGenetics, part of Exact Sciences
Classification: Uncertain significance for TTN-related condition. Last evaluated: 2026-06-03. Review status: criteria provided, single submitter. Criteria: ACMG Guidelines, 2015. Collection method: clinical testing. Allele origin: germline.
Comment: The TTN c.58613C>A variant is predicted to result in the amino acid substitution p.Thr19538Lys. To our knowledge, this variant has not been reported in the literature. This variant is reported in 0.037% of alleles in individuals of African descent in gnomAD. At this time, the clinical significance of this variant is uncertain due to the absence of conclusive functional and genetic evidence.

Ambry Genetics
Classification: Likely benign for Cardiovascular phenotype. Last evaluated: 2020-08-04. Review status: criteria provided, single submitter. Criteria: Ambry Variant Classification Scheme 2023. Collection method: clinical testing. Allele origin: germline.

GeneDx
Classification: Likely benign. Last evaluated: 2019-10-29. Review status: criteria provided, single submitter. Criteria: GeneDx Variant Classification Process June 2021. Collection method: clinical testing. Allele origin: germline. Affected: yes.

Eurofins Ntd Llc (ga)
Classification: Uncertain significance. Last evaluated: 2015-08-28. Review status: criteria provided, single submitter. Criteria: EGL Classification Definitions 2015. Collection method: clinical testing. Allele origin: germline. Observed: 1 variant allele, 1 heterozygote.

Clinical Genetics DNA and cytogenetics Diagnostics Lab, Erasmus MC, Erasmus Medical Center
Classification: Uncertain significance. Review status: no assertion criteria provided. Collection method: clinical testing. Allele origin: germline. Affected: yes. Study: VKGL Data-share Consensus. Not counted in ClinVar's aggregate classification.

Clinical Genetics, Academic Medical Center
Classification: Uncertain significance. Review status: no assertion criteria provided. Collection method: clinical testing. Allele origin: germline. Affected: yes. Study: VKGL Data-share Consensus. Not counted in ClinVar's aggregate classification.

NM_001267550.2(TTN):c.58613C>A (p.Thr19538Lys)

Genes: TTN (titin; minus strand), TTN-AS1 (TTN antisense RNA 1; plus strand). Cytogenetic location: 2q31.2.
Variant type: single nucleotide variant.
Coding change: c.58613C>A on transcript NM_001267550.2 (MANE Select); coding-DNA position 58613, C replaced by A.
Protein change: p.Thr19538Lys; replaces threonine 19538 with lysine.
Molecular consequence: missense variant.
Genome position (GRCh38, 1-based): chr2:178,593,687, G>T on the plus strand (C>A on the coding strand, the complement: TTN is on the minus strand). VCF-style: chr2-178593687-G-T. GRCh37 (hg19) VCF-style: chr2-179458414-G-T.
Other names: p.T17897K:ACA>AAA; c.53690C>A, p.Thr17897Lys (NM_001256850.1); c.31418C>A, p.Thr10473Lys (NM_003319.4); c.50909C>A, p.Thr16970Lys (NM_133378.4); c.31793C>A, p.Thr10598Lys (NM_133432.3); c.31994C>A, p.Thr10665Lys (NM_133437.4); short protein forms T17897K, T19538K, T16970K, T10473K, T10598K, T10665K.
Identifiers: ClinVar variation 202738 (VCV000202738.14), dbSNP rs370686112, ClinGen allele CA310134.